The following is an entry in ClinVar:

ClinVar aggregate classification (germline): Pathogenic/Likely pathogenic. Review status: criteria provided, multiple submitters, no conflicts (2 of 4 stars). 4 submissions from 4 submitters: Pathogenic (1); Likely pathogenic (1). 2 of the submissions do not count toward it. Last evaluated 2024-09-06.

Conditions:
Charcot-Marie-Tooth disease, type I (CMT1). Also called: Charcot-Marie-Tooth, Type 1; Charcot-Marie-Tooth disease type 1. Identifiers: Orphanet 65753, MedGen C0751036, MONDO:0019011.
Charcot-Marie-Tooth disease type 1B. Also called: HEREDITARY MOTOR AND SENSORY NEUROPATHY I; HEREDITARY MOTOR AND SENSORY NEUROPATHY IB; CHARCOT-MARIE-TOOTH DISEASE, AUTOSOMAL DOMINANT, WITH FOCALLY FOLDED MYELIN SHEATHS, TYPE 1B; CHARCOT-MARIE-TOOTH DISEASE, SLOW NERVE CONDUCTION TYPE, LINKED TO DUFFY; CHARCOT-MARIE-TOOTH NEUROPATHY, TYPE 1B; Charcot-Marie-Tooth disease, demyelinating, type 1b. Identifiers: Orphanet 101082, MedGen C0270912, MONDO:0007307, OMIM 118200.
Dejerine-Sottas disease. Also called: HEREDITARY MOTOR AND SENSORY NEUROPATHY TYPE III; HMSN Type III; Charcot-Marie-Tooth disease type 3; DEJERINE-SOTTAS NEUROPATHY; Hereditary motor and sensory neuropathy 3. Identifiers: Orphanet 64748, MedGen C0011195, MONDO:0007790, OMIM 145900.

Submissions (4):

Labcorp Genetics (formerly Invitae), Labcorp
Classification: Pathogenic for Charcot-Marie-Tooth disease, type I. Last evaluated: 2024-09-06. Review status: criteria provided, single submitter. Criteria: Invitae Variant Classification Sherloc (09022015). Collection method: clinical testing. Allele origin: germline.
Comment: This sequence change replaces isoleucine, which is neutral and non-polar, with threonine, which is neutral and polar, at codon 30 of the MPZ protein (p.Ile30Thr). This variant is not present in population databases (gnomAD no frequency). This missense change has been observed in individuals with autosomal dominant Charcot-Marie-Tooth disease (PMID: 17143884, 31769568; internal data). It has also been observed to segregate with disease in related individuals. ClinVar contains an entry for this variant (Variation ID: 41014). Invitae Evidence Modeling of protein sequence and biophysical properties (such as structural, functional, and spatial information, amino acid conservation, physicochemical variation, residue mobility, and thermodynamic stability) indicates that this missense variant is expected to disrupt MPZ protein function with a positive predictive value of 80%. Experimental studies have shown that this missense change affects MPZ function (PMID: 20461396). This variant disrupts the p.Ile30 amino acid residue in MPZ. Other variant(s) that disrupt this residue have been determined to be pathogenic (PMID: 7694726). This suggests that this residue is clinically significant, and that variants that disrupt this residue are likely to be disease-causing. For these reasons, this variant has been classified as Pathogenic.

GeneDx
Classification: Likely pathogenic. Last evaluated: 2023-07-19. Review status: criteria provided, single submitter. Criteria: GeneDx Variant Classification Process June 2021. Collection method: clinical testing. Allele origin: germline. Affected: yes.
Comment: Identified in an affected mother and son with Charcot-Marie-Tooth disease in published literature (Floroskufi et al., 2007); Not observed at significant frequency in large population cohorts (gnomAD); Missense variants in this gene are often considered pathogenic (HGMD); In silico analysis supports that this missense variant has a deleterious effect on protein structure/function; This variant is associated with the following publications: (PMID: 26310628, 20461396, 26135405, 17143884)

GeneReviews
No classification provided. Condition: Charcot-Marie-Tooth disease type 1B. Review status: no classification provided. Collection method: literature only. Allele origin: germline. Affected: yes. Not counted in ClinVar's aggregate classification.

Inherited Neuropathy Consortium
Classification: Uncertain significance for Dejerine-Sottas disease. Review status: no assertion criteria provided. Collection method: literature only. Allele origin: germline. Affected: yes. Not counted in ClinVar's aggregate classification.

Literature cited by the submitters: PubMed 17143884 (cited by Labcorp Genetics (formerly Invitae), Labcorp and Inherited Neuropathy Consortium); PubMed 31769568 (cited by Labcorp Genetics (formerly Invitae), Labcorp); PubMed 20461396 (cited by Labcorp Genetics (formerly Invitae), Labcorp); PubMed 7694726 (cited by Labcorp Genetics (formerly Invitae), Labcorp); NCBI Bookshelf NBK1205 (cited by GeneReviews).

NM_000530.8(MPZ):c.89T>C (p.Ile30Thr)

Gene: MPZ (myelin protein zero; minus strand). Cytogenetic location: 1q23.3.
Variant type: single nucleotide variant.
Coding change: c.89T>C on transcript NM_000530.8 (MANE Select); coding-DNA position 89, T replaced by C.
Protein change: p.Ile30Thr; replaces isoleucine 30 with threonine.
Molecular consequence: missense variant.
Genome position (GRCh38, 1-based): chr1:161,307,403, A>G on the plus strand (T>C on the coding strand, the complement: MPZ is on the minus strand). VCF-style: chr1-161307403-A-G. GRCh37 (hg19) VCF-style: chr1-161277193-A-G.
Other names: c.89T>C, p.Ile30Thr (LRG_256t1, NM_001315491.2); short protein forms I30T.
Identifiers: ClinVar variation 41014 (VCV000041014.14), dbSNP rs281865121, ClinGen allele CA343888.
Genomic context (GRCh38, chr1:161,307,403, plus strand): 5'-CAGTGCAGGGTCACCCGGGAGCCCACAGCACCATGGACCTCCCTGTCGGTGTAAACCACG[A>G]TGGCCTGGGCCGGGGACAGCACTGCAAGCACAAAGTGGGGAATCAGATGCACCTATGGGC-3'
Protein context (NP_000521.2, residues 20-40): SSLVLSPAQA[Ile30Thr]VVYTDREVHG